The following is an entry in ClinVar:

ClinVar aggregate classification (germline): Uncertain significance (1 of 4 stars; one submission).

Conditions:
Episodic ataxia type 2 (EA2). Also called: ATAXIA, EPISODIC, WITH NYSTAGMUS; ATAXIA, FAMILIAL PAROXYSMAL; ACETAZOLAMIDE-RESPONSIVE HEREDITARY PAROXYSMAL CEREBELLAR ATAXIA; CEREBELLAR ATAXIA, PAROXYSMAL, ACETAZOLAMIDE-RESPONSIVE; CEREBELLOPATHY, HEREDITARY PAROXYSMAL; EPISODIC ATAXIA, NYSTAGMUS-ASSOCIATED. Identifiers: Orphanet 97, MedGen C1720416, MONDO:0007163, OMIM 108500.
Developmental and epileptic encephalopathy, 42 (DEE42A). Also called: Epileptic encephalopathy, early infantile, 42; DEVELOPMENTAL AND EPILEPTIC ENCEPHALOPATHY 42A; EPILEPTIC ENCEPHALOPATHY, EARLY INFANTILE, 42A. Identifiers: MedGen C4310716, MONDO:0014917, OMIM 617106.

Submission:

Labcorp Genetics (formerly Invitae), Labcorp
Classification: Uncertain significance for Developmental and epileptic encephalopathy, 42; Episodic ataxia type 2. Last evaluated: 2024-06-22. Review status: criteria provided, single submitter. Criteria: Invitae Variant Classification Sherloc (09022015). Collection method: clinical testing. Allele origin: germline.
Comment: This sequence change replaces arginine, which is basic and polar, with glycine, which is neutral and non-polar, at codon 813 of the CACNA1A protein (p.Arg813Gly). This variant is not present in population databases (gnomAD no frequency). This variant has not been reported in the literature in individuals affected with CACNA1A-related conditions. Advanced modeling of protein sequence and biophysical properties (such as structural, functional, and spatial information, amino acid conservation, physicochemical variation, residue mobility, and thermodynamic stability) performed at Invitae indicates that this missense variant is not expected to disrupt CACNA1A protein function with a negative predictive value of 95%. In summary, the available evidence is currently insufficient to determine the role of this variant in disease. Therefore, it has been classified as a Variant of Uncertain Significance.

NM_001127222.2(CACNA1A):c.2434C>G (p.Arg812Gly)

Gene: CACNA1A (calcium voltage-gated channel subunit alpha1 A; minus strand). Cytogenetic location: 19p13.13.
Variant type: single nucleotide variant.
Coding change: c.2434C>G on transcript NM_001127222.2 (MANE Select); coding-DNA position 2434, C replaced by G.
Protein change: p.Arg812Gly; replaces arginine 812 with glycine.
Molecular consequence: missense variant.
Genome position (GRCh38, 1-based): chr19:13,299,199, G>C on the plus strand (C>G on the coding strand, the complement: CACNA1A is on the minus strand). VCF-style: chr19-13299199-G-C. GRCh37 (hg19) VCF-style: chr19-13410013-G-C.
Other names: c.2446C>G, p.Arg816Gly (NM_000068.4, NM_023035.3); c.2437C>G, p.Arg813Gly (NM_001127221.2, NM_001174080.2); short protein forms R812G, R813G, R816G.
Identifiers: ClinVar variation 3754165 (VCV003754165.2).